The following is an entry in ClinVar:

NM_000064.4(C3):c.1441C>T (p.Arg481Cys)

Gene: C3 (complement C3; minus strand). Cytogenetic location: 19p13.3.
Variant type: single nucleotide variant.
Coding change: c.1441C>T on transcript NM_000064.4 (MANE Select); coding-DNA position 1441, C replaced by T.
Protein change: p.Arg481Cys; replaces arginine 481 with cysteine.
Molecular consequence: missense variant.
Genome position (GRCh38, 1-based): chr19:6,711,025, G>A on the plus strand (C>T on the coding strand, the complement: C3 is on the minus strand). VCF-style: chr19-6711025-G-A. GRCh37 (hg19) VCF-style: chr19-6711036-G-A.
Other names: short protein forms R481C.
Identifiers: ClinVar variation 3616444 (VCV003616444.2).

ClinVar aggregate classification (germline): Uncertain significance (1 of 4 stars; one submission).

gnomAD v4.1: 13 of 1,614,116 alleles (0.00081%); highest among the groups gnomAD compares: South Asian, 0.0044%; no homozygotes.

Submission:

Labcorp Genetics (formerly Invitae), Labcorp
Classification: Uncertain significance. Last evaluated: 2025-10-26. Review status: criteria provided, single submitter. Criteria: Invitae Variant Classification Sherloc (09022015). Collection method: clinical testing. Allele origin: germline.
Comment: This sequence change replaces arginine, which is basic and polar, with cysteine, which is neutral and slightly polar, at codon 481 of the C3 protein (p.Arg481Cys). This variant is present in population databases (no rsID available, gnomAD 0.003%). This variant has not been reported in the literature in individuals affected with C3-related conditions. ClinVar contains an entry for this variant (Variation ID: 3616444). An algorithm developed to predict the effect of missense changes on protein structure and function (PolyPhen-2) suggests that this variant is likely to be tolerated. In summary, the available evidence is currently insufficient to determine the role of this variant in disease. Therefore, it has been classified as a Variant of Uncertain Significance.